The following is an entry in ClinVar:

NM_021964.3(ZNF148):c.702G>T (p.Met234Ile)

Gene: ZNF148 (zinc finger protein 148; minus strand). Cytogenetic location: 3q21.2.
Variant type: single nucleotide variant.
Coding change: c.702G>T on transcript NM_021964.3 (MANE Select); coding-DNA position 702, G replaced by T.
Protein change: p.Met234Ile; replaces methionine 234 with isoleucine.
Molecular consequence: missense variant.
Genome position (GRCh38, 1-based): chr3:125,234,295, C>A on the plus strand (G>T on the coding strand, the complement: ZNF148 is on the minus strand). VCF-style: chr3-125234295-C-A. GRCh37 (hg19) VCF-style: chr3-124953139-C-A.
Other names: c.702G>T, p.Met234Ile (NM_001348424.1, NM_001348425.2, NM_001348426.2 and 7 more transcripts); c.576G>T, p.Met192Ile (NM_001348434.2); short protein forms M192I, M234I.
Identifiers: ClinVar variation 4813599 (VCV004813599.1).
Genomic context (GRCh38, chr3:125,234,295, plus strand): 5'-AGGTTTTTCTCCACTATGAGTTCTCTTATGCCTTTCCATATGATATTTTTGTATGAATCT[C>A]ATACCACATTCATCACAGCGAAATGGTTTTTCACCTAGCACATAATATAGAAAGTTTAAA-3'
Protein context (NP_068799.2, residues 224-244): EKPFRCDECG[Met234Ile]RFIQKYHMER

ClinVar aggregate classification (germline): Pathogenic (1 of 4 stars; one submission).

Conditions:
Global developmental delay, absent or hypoplastic corpus callosum, and dysmorphic facies (GDACCF). Identifiers: MedGen C4310644, MONDO:0014994, OMIM 617260.

Submission:

Mendelics
Classification: Pathogenic for Global developmental delay, absent or hypoplastic corpus callosum, and dysmorphic facies. Last evaluated: 2026-03-05. Review status: criteria provided, single submitter. Criteria: ACMG Guidelines, 2015. Collection method: clinical testing. Allele origin: unknown.
Comment: Likely pathogenic/Pathogenic according to ACMG criteria.